The following is an entry in ClinVar:

NM_001042492.3(NF1):c.4285A>G (p.Lys1429Glu)

Gene: NF1 (neurofibromin 1; plus strand). Cytogenetic location: 17q11.2.
Variant type: single nucleotide variant.
Coding change: c.4285A>G on transcript NM_001042492.3 (MANE Select); coding-DNA position 4285, A replaced by G.
Protein change: p.Lys1429Glu; replaces lysine 1429 with glutamic acid.
Molecular consequence: missense variant.
Genome position (GRCh38, 1-based): chr17:31,258,455, A>G. VCF-style: chr17-31258455-A-G. GRCh37 (hg19) VCF-style: chr17-29585473-A-G.
Other names: c.4222A>G, p.Lys1408Glu (NM_000267.4); short protein forms K1408E, K1429E.
Identifiers: ClinVar variation 988013 (VCV000988013.8), dbSNP rs758915600, ClinGen allele CA8486370.

ClinVar aggregate classification (germline): Uncertain significance. Review status: criteria provided, multiple submitters, no conflicts (2 of 4 stars). 4 submissions from 4 submitters: Uncertain significance (4). Last evaluated 2025-09-15.

Conditions:
Neurofibromatosis, type 1 (NF1). Also called: NEUROFIBROMATOSIS, TYPE I, SOMATIC; VON RECKLINGHAUSEN DISEASE; Peripheral type neurofibromatosis; Neurofibromatosis, type I. Identifiers: Orphanet 636, MedGen C0027831, MONDO:0018975, OMIM 162200. Disease mechanism: loss of function.

Allele frequency attached by ClinVar (database versions not stated): ExAC 0.00001; gnomAD exomes 0.00001 and 0.00002.
gnomAD v4.1: 4 of 1,613,976 alleles (0.00025%); highest among the groups gnomAD compares: Non-Finnish European, 0.00034%; no homozygotes.

Submissions (4):

Labcorp Genetics (formerly Invitae), Labcorp
Classification: Uncertain significance for Neurofibromatosis, type 1. Last evaluated: 2025-09-15. Review status: criteria provided, single submitter. Criteria: Invitae Variant Classification Sherloc (09022015). Collection method: clinical testing. Allele origin: germline.
Comment: This sequence change replaces lysine, which is basic and polar, with glutamic acid, which is acidic and polar, at codon 1408 of the NF1 protein (p.Lys1408Glu). This variant is present in population databases (rs758915600, gnomAD 0.004%). This variant has not been reported in the literature in individuals affected with NF1-related conditions. ClinVar contains an entry for this variant (Variation ID: 988013). Invitae Evidence Modeling of protein sequence and biophysical properties (such as structural, functional, and spatial information, amino acid conservation, physicochemical variation, residue mobility, and thermodynamic stability) indicates that this missense variant is not expected to disrupt NF1 protein function with a negative predictive value of 95%. In summary, the available evidence is currently insufficient to determine the role of this variant in disease. Therefore, it has been classified as a Variant of Uncertain Significance.

GeneDx
Classification: Uncertain significance. Last evaluated: 2023-08-22. Review status: criteria provided, single submitter. Criteria: GeneDx Variant Classification Process June 2021. Collection method: clinical testing. Allele origin: germline. Affected: yes.
Comment: In silico analysis supports that this missense variant does not alter protein structure/function; Has not been previously published as pathogenic or benign to our knowledge; This variant is associated with the following publications: (PMID: 25486365, 22807134)

Genome-Nilou Lab
Classification: Uncertain significance for Neurofibromatosis, type 1. Last evaluated: 2022-03-15. Review status: criteria provided, single submitter. Criteria: ACMG Guidelines, 2015. Collection method: clinical testing. Allele origin: germline. Affected: no.

Johns Hopkins Genomics, Johns Hopkins University
Classification: Uncertain significance for Neurofibromatosis, type 1. Last evaluated: 2020-11-17. Review status: criteria provided, single submitter. Criteria: ACMG Guidelines, 2015. Collection method: clinical testing. Allele origin: germline.
Comment: This NF1 variant (rs758915600) is rare (<0.1%) in a large population dataset (gnomAD: 4/251226 total alleles; 0.002%; no homozygotes) and has not been reported in ClinVar nor the literature, to our knowledge. Three bioinformatic tools queried predict that this substitution would be tolerated. The lysine residue at this position is highly evolutionarily conserved across most species assessed. Due to insufficient evidence, we consider the clinical significance of c.4285A>G to be uncertain at this time.